The following is an entry in ClinVar:

NM_003560.4(PLA2G6):c.2035G>A (p.Gly679Ser)

Gene: PLA2G6 (phospholipase A2 group VI; minus strand). Cytogenetic location: 22q13.1.
Variant type: single nucleotide variant.
Coding change: c.2035G>A on transcript NM_003560.4 (MANE Select); coding-DNA position 2035, G replaced by A.
Protein change: p.Gly679Ser; replaces glycine 679 with serine.
Molecular consequence: missense variant.
Genome position (GRCh38, 1-based): chr22:38,113,654, C>T on the plus strand (G>A on the coding strand, the complement: PLA2G6 is on the minus strand). VCF-style: chr22-38113654-C-T. GRCh37 (hg19) VCF-style: chr22-38509661-C-T.
Other names: c.1873G>A, p.Gly625Ser (NM_001004426.3, NM_001199562.3, NM_001349865.2 and 1 more transcripts); c.2035G>A, p.Gly679Ser (NM_001349864.2); c.1501G>A, p.Gly501Ser (NM_001349867.2); c.1357G>A, p.Gly453Ser (NM_001349868.2); c.1339G>A, p.Gly447Ser (NM_001349869.2); short protein forms G679S, G447S, G453S, G625S, G501S.
Identifiers: ClinVar variation 341635 (VCV000341635.7), dbSNP rs886057501, ClinGen allele CA10654126.
Genomic context (GRCh38, chr22:38,113,654, plus strand): 5'-GGGACCTCCCTGTCCCCAGGGAGACAACGATGGAGAGTTTCTTCACCTTGTTGGCCTGAC[C>T]CTGTTGGGAACAGGACAGGGGCAGTCAGAAGAGACCTTCCACAGGTAGGGGGCACGAAGG-3'
Protein context (NP_003551.2, residues 669-689): HEYNQDLIRK[Gly679Ser]QANKVKKLSI

ClinVar aggregate classification (germline): Uncertain significance. Review status: criteria provided, multiple submitters, no conflicts (2 of 4 stars). 3 submissions from 3 submitters: Uncertain significance (3). Last evaluated 2022-08-20.

Conditions:
Infantile neuroaxonal dystrophy (NBIA2A). Also called: Infantile neuroaxonal dystrophy 1; SEITELBERGER DISEASE; NEURODEGENERATION WITH BRAIN IRON ACCUMULATION 2A. Identifiers: Orphanet 35069, MedGen C0270724, MONDO:0024457, OMIM 256600.
Inborn genetic diseases. Identifiers: MedGen C0950123, MeSH D030342.
PLA2G6-associated neurodegeneration (PLAN). Also called: phospholipase A2-associated neurodegeneration. Identifiers: Orphanet 329303, MedGen CN204472, MONDO:0017998.

Allele frequency attached by ClinVar (database versions not stated): gnomAD exomes 0.00001.
gnomAD v4.1: 4 of 1,613,580 alleles (0.00025%); highest among the groups gnomAD compares: South Asian, 0.0011%; no homozygotes.

Submissions (3):

Labcorp Genetics (formerly Invitae), Labcorp
Classification: Uncertain significance for Infantile neuroaxonal dystrophy. Last evaluated: 2022-08-20. Review status: criteria provided, single submitter. Criteria: Invitae Variant Classification Sherloc (09022015). Collection method: clinical testing. Allele origin: germline.
Comment: This sequence change replaces glycine, which is neutral and non-polar, with serine, which is neutral and polar, at codon 679 of the PLA2G6 protein (p.Gly679Ser). This variant is not present in population databases (gnomAD no frequency). This variant has not been reported in the literature in individuals affected with PLA2G6-related conditions. ClinVar contains an entry for this variant (Variation ID: 341635). Algorithms developed to predict the effect of missense changes on protein structure and function (SIFT, PolyPhen-2, Align-GVGD) all suggest that this variant is likely to be disruptive. In summary, the available evidence is currently insufficient to determine the role of this variant in disease. Therefore, it has been classified as a Variant of Uncertain Significance.

Ambry Genetics
Classification: Uncertain significance for Inborn genetic diseases. Last evaluated: 2022-07-20. Review status: criteria provided, single submitter. Criteria: Ambry Variant Classification Scheme 2023. Collection method: clinical testing. Allele origin: germline.

Illumina Laboratory Services, Illumina
Classification: Uncertain significance for PLA2G6-associated neurodegeneration. Last evaluated: 2018-01-13. Review status: criteria provided, single submitter. Criteria: ICSL Variant Classification Criteria 13 December 2019. Collection method: clinical testing. Allele origin: germline.